The following is an entry in ClinVar:

NM_006231.4(POLE):c.4430G>C (p.Ser1477Thr)

Gene: POLE (DNA polymerase epsilon, catalytic subunit; minus strand). Cytogenetic location: 12q24.33.
Variant type: single nucleotide variant.
Coding change: c.4430G>C on transcript NM_006231.4 (MANE Select); coding-DNA position 4430, G replaced by C.
Protein change: p.Ser1477Thr; replaces serine 1477 with threonine.
Molecular consequence: missense variant.
Genome position (GRCh38, 1-based): chr12:132,643,421, C>G on the plus strand (G>C on the coding strand, the complement: POLE is on the minus strand). VCF-style: chr12-132643421-C-G. GRCh37 (hg19) VCF-style: chr12-133220007-C-G.
Other names: short protein forms S1477T.
Identifiers: ClinVar variation 3607002 (VCV003607002.1).

ClinVar aggregate classification (germline): Uncertain significance (1 of 4 stars; one submission).

Submission:

Labcorp Genetics (formerly Invitae), Labcorp
Classification: Uncertain significance. Last evaluated: 2024-12-24. Review status: criteria provided, single submitter. Criteria: Invitae Variant Classification Sherloc (09022015). Collection method: clinical testing. Allele origin: germline.
Comment: This sequence change replaces serine, which is neutral and polar, with threonine, which is neutral and polar, at codon 1477 of the POLE protein (p.Ser1477Thr). This variant is not present in population databases (gnomAD no frequency). This variant has not been reported in the literature in individuals affected with POLE-related conditions. Invitae Evidence Modeling of protein sequence and biophysical properties (such as structural, functional, and spatial information, amino acid conservation, physicochemical variation, residue mobility, and thermodynamic stability) indicates that this missense variant is not expected to disrupt POLE protein function with a negative predictive value of 80%. In summary, the available evidence is currently insufficient to determine the role of this variant in disease. Therefore, it has been classified as a Variant of Uncertain Significance.